The following is an entry in ClinVar:

ClinVar aggregate classification (germline): Pathogenic (1 of 4 stars; one submission).

Conditions:
3-methylcrotonyl-CoA carboxylase 1 deficiency (MCC1D). Also called: MCC 1 deficiency; 3 Alpha methylcrotonylglycinuria 1; MCCD TYPE 1; METHYLCROTONYLGLYCINURIA TYPE I. Identifiers: Orphanet 6, MedGen CN028786, MONDO:0008861, OMIM 210200.

Submission:

Labcorp Genetics (formerly Invitae), Labcorp
Classification: Pathogenic for 3-methylcrotonyl-CoA carboxylase 1 deficiency. Last evaluated: 2025-08-22. Review status: criteria provided, single submitter. Criteria: Invitae Variant Classification Sherloc (09022015). Collection method: clinical testing. Allele origin: germline.
Comment: This sequence change creates a premature translational stop signal (p.Ile618Thrfs*22) in the MCCC1 gene. It is expected to result in an absent or disrupted protein product. Loss-of-function variants in MCCC1 are known to be pathogenic (PMID: 11181649, 15359379, 22642865). This variant is not present in population databases (gnomAD no frequency). This variant has not been reported in the literature in individuals affected with MCCC1-related conditions. ClinVar contains an entry for this variant (Variation ID: 1407057). For these reasons, this variant has been classified as Pathogenic.

Literature cited by the submitters: PubMed 11181649; PubMed 15359379; PubMed 22642865.

NM_020166.5(MCCC1):c.1853_1856del (p.Ile618fs)

Gene: MCCC1 (methylcrotonyl-CoA carboxylase subunit 1; minus strand). Cytogenetic location: 3q27.1.
Variant type: Deletion.
Coding change: c.1853_1856del on transcript NM_020166.5 (MANE Select); coding-DNA positions 1853 to 1856, 4 bases deleted (TTTA; older notation c.1853_1856delTTTA).
Protein change: p.Ile618fs; shifts the reading frame from isoleucine 618.
Molecular consequence: frameshift variant. On other transcripts: non-coding transcript variant (2).
Genome position (GRCh38, 1-based): chr3:183,022,430-183,022,433, TAAA deleted on the plus strand (TTTA on the coding strand, the reverse complement: MCCC1 is on the minus strand); deleting any 4 consecutive bases within chr3:183,022,430-183,022,435 gives the same sequence; the c. name uses the placement nearest the transcript's 3' end. VCF-style (leftmost placement, unchanged base first): chr3-183022429-GTAAA-G. GRCh37 (hg19) VCF-style: chr3-182740217-GTAAA-G.
Other names: c.1502_1505del, p.Ile501fs (NM_001293273.2); c.1526_1529del, p.Ile509fs (NM_001363880.1); short protein forms I618fs, I509fs, I501fs.
Identifiers: ClinVar variation 1407057 (VCV001407057.6), dbSNP rs2108441358, ClinGen allele CA2573136800.